The following is an entry in ClinVar:

ClinVar aggregate classification (germline): Uncertain significance (1 of 4 stars; one submission).

Conditions:
Surfactant metabolism dysfunction, pulmonary, 4 (SMDP4). Also called: CSF2RA DEFICIENCY; PAP DUE TO CSF2RA DEFICIENCY; PULMONARY ALVEOLAR PROTEINOSIS, CONGENITAL, 4. Identifiers: Orphanet 264675, MedGen C2677877, MONDO:0010424, OMIM 300770.

Allele frequency attached by ClinVar (database versions not stated): gnomAD 0.00001; gnomAD exomes 0.00002; TOPMed 0.00002.
gnomAD v4.1: 21 of 1,612,372 alleles (0.0013%); highest among the groups gnomAD compares: African/African-American, 0.0094%; no homozygotes.

Submissions (3):

Labcorp Genetics (formerly Invitae), Labcorp
Classification: Uncertain significance for Surfactant metabolism dysfunction, pulmonary, 4. Last evaluated: 2025-02-25. Review status: criteria provided, single submitter. Criteria: Invitae Variant Classification Sherloc (09022015). Collection method: clinical testing. Allele origin: germline.
Comment: This sequence change replaces glycine, which is neutral and non-polar, with serine, which is neutral and polar, at codon 343 of the CSF2RA protein (p.Gly343Ser). This variant is present in population databases (no rsID available, gnomAD 0.009%). This variant has not been reported in the literature in individuals affected with CSF2RA-related conditions. ClinVar contains an entry for this variant (Variation ID: 963035). Invitae Evidence Modeling of protein sequence and biophysical properties (such as structural, functional, and spatial information, amino acid conservation, physicochemical variation, residue mobility, and thermodynamic stability) indicates that this missense variant is not expected to disrupt CSF2RA protein function with a negative predictive value of 80%. In summary, the available evidence is currently insufficient to determine the role of this variant in disease. Therefore, it has been classified as a Variant of Uncertain Significance.

Dr. Peter K. Rogan Lab, Western University
No classification provided (evidence only). Condition: Thyroid cancer, nonmedullary, 1. Review status: no classification provided. Collection method: in vitro. Allele origin: not applicable. Functional consequence: retained intron. Not counted in ClinVar's aggregate classification.

Dr. Peter K. Rogan Lab, Western University
No classification provided (evidence only). Condition: Thyroid cancer, nonmedullary, 1. Review status: no classification provided. Collection method: in vitro. Allele origin: not applicable. Functional consequence: retained intron. Not counted in ClinVar's aggregate classification.

NM_172245.4(CSF2RA):c.1027G>A (p.Gly343Ser)

Gene: CSF2RA (colony stimulating factor 2 receptor subunit alpha; plus strand). Cytogenetic location: Xp22.33.
Variant type: single nucleotide variant.
Coding change: c.1027G>A on transcript NM_172245.4 (MANE Select); coding-DNA position 1027, G replaced by A.
Protein change: p.Gly343Ser; replaces glycine 343 with serine.
Molecular consequence: missense variant. On other transcripts: non-coding transcript variant (1), intron variant (7).
Genome position (GRCh38, 1-based): chrX:1,304,003, G>A. VCF-style: chrX-1304003-G-A. GRCh37 (hg19) VCF-style: chrX-1422896-G-A.
Other names: c.997G>A, p.Gly333Ser (NM_001379160.1); c.1027G>A, p.Gly343Ser (NM_001379161.1, NM_001379162.1, NM_001161529.2 and 9 more transcripts); c.1129G>A, p.Gly377Ser (NM_001161530.2, NM_001379153.1, NM_001379154.1); c.628G>A, p.Gly210Ser (NM_001161532.2); c.947-1443G>A (NM_001379167.1, NM_001379169.1, NM_172247.3 and 1 more transcripts); c.946+3377G>A (NM_172246.4); c.647-1443G>A (NM_172249.4); c.855-1443G>A (NM_001379166.1); short protein forms G210S, G333S, G343S, G377S.
Identifiers: ClinVar variation 963035 (VCV000963035.10), dbSNP rs1186460962, ClinGen allele CA412236927.